The following is an entry in ClinVar:

ClinVar aggregate classification (germline): Likely benign (0 of 4 stars; one submission).

Conditions:
B4GALNT1-related disorder. Also called: B4GALNT1-related condition.

gnomAD v4.1: 1,645 of 1,534,572 alleles (0.11%); highest among the groups gnomAD compares: African/African-American, 2%; 25 homozygotes.

Submission:

PreventionGenetics, part of Exact Sciences
Classification: Likely benign for B4GALNT1-related condition. Last evaluated: 2024-09-04. Review status: no assertion criteria provided. Collection method: clinical testing. Allele origin: germline.
Comment: This variant is classified as likely benign based on ACMG/AMP sequence variant interpretation guidelines (Richards et al. 2015 PMID: 25741868, with internal and published modifications).

NM_001478.5(B4GALNT1):c.712+248G>C

Gene: B4GALNT1 (beta-1,4-N-acetyl-galactosaminyltransferase 1; minus strand). Cytogenetic location: 12q13.3.
Variant type: single nucleotide variant.
Coding change: c.712+248G>C on transcript NM_001478.5 (MANE Select); 248 bases into the intron after coding-DNA position 712, G replaced by C.
Molecular consequence: intron variant. On other transcripts: synonymous variant (1).
Genome position (GRCh38, 1-based): chr12:57,629,904, C>G on the plus strand (G>C on the coding strand, the complement: B4GALNT1 is on the minus strand). VCF-style: chr12-57629904-C-G. GRCh37 (hg19) VCF-style: chr12-58023687-C-G.
Other names: c.960G>C, p.Val320= (NM_001276469.2); c.547+248G>C (NM_001413978.1, NM_001276468.2); c.-276+248G>C (NM_001413984.1, NM_001413982.1, NM_001413981.1 and 1 more transcripts); c.712+248G>C (NM_001413977.1, NM_001413970.1, NM_001413968.1 and 8 more transcripts).
Identifiers: ClinVar variation 3352678 (VCV003352678.1).